The following is an entry in ClinVar:

ClinVar aggregate classification (germline): Likely pathogenic (1 of 4 stars; one submission).

Conditions:
Bone mineral density quantitative trait locus 18 (BMND18). Also called: Bone mineral density QTL18, osteoporosis; OSTEOPOROSIS AND OSTEOPOROTIC FRACTURES, SUSCEPTIBILITY TO. Identifiers: Orphanet 391330, MedGen C3806712, OMIM 300910.

Submission:

Clinical Biomedical Laboratory, Shriners Hospital For Children - Canada
Classification: Likely pathogenic for Bone mineral density quantitative trait locus 18. Review status: criteria provided, single submitter. Criteria: ACMG Guidelines, 2015. Collection method: clinical testing. Allele origin: germline. Affected: yes.
Comment: This variant is predicted to affect a canonical splice site in PLS3. This variant is expected to disrupt RNA splicing and lead to loss of function of the affected allele. Loss-of-function variants in PLS3 are associated with juvenile osteoporosis, which corresponds to the reported phenotype of the proband. This variant is absent from the Genome Aggregation Database (v2.1.1), indicating it is very rare. Based on the ACMG variant interpretation guidelines (criteria: PVS1, PM2, PP4), the available evidence supports classification of this variant as likely pathogenic.

NM_005032.7(PLS3):c.1635+1G>A

Gene: PLS3 (plastin 3; plus strand). Cytogenetic location: Xq23.
Variant type: single nucleotide variant.
Coding change: c.1635+1G>A on transcript NM_005032.7 (MANE Select); the canonical splice donor site of the intron after coding-DNA position 1635, G replaced by A.
Molecular consequence: splice donor variant.
Genome position (GRCh38, 1-based): chrX:115,647,674, G>A. VCF-style: chrX-115647674-G-A. GRCh37 (hg19) VCF-style: chrX-114881994-G-A.
Other names: c.1596+1G>A (NM_001282337.2); c.1635+1G>A (NM_001440791.1, NM_001440792.1, NM_001136025.5); c.1500+1G>A (NM_001282338.2); c.1554+1G>A (NM_001172335.3).
Identifiers: ClinVar variation 4819335 (VCV004819335.1).
Genomic context (GRCh38, chrX:115,647,674, plus strand): 5'-AACTGGGTGAACAGAACGTTGAGTGAAGCTGGAAAATCAACTTCCATTCAGAGTTTTAAG[G>A]TCAGAATCCATATTTGACTATTAAATATTATGTTTGCTGGATAACATCTATCATTTGGGA-3'